The following is an entry in ClinVar:

ClinVar aggregate classification (germline): Uncertain significance. Review status: criteria provided, multiple submitters, no conflicts (2 of 4 stars). 2 submissions from 2 submitters: Uncertain significance (2). Last evaluated 2025-04-27.

Conditions:
Cardiovascular phenotype. Identifiers: MedGen CN230736.
Long QT syndrome (LQTS). Identifiers: MedGen C0023976, MeSH D008133, MONDO:0002442. Disease mechanism: loss of function. Inheritance: Various modes of inheritance.

Submissions (2):

Labcorp Genetics (formerly Invitae), Labcorp
Classification: Uncertain significance for Long QT syndrome. Last evaluated: 2025-04-27. Review status: criteria provided, single submitter. Criteria: Invitae Variant Classification Sherloc (09022015). Collection method: clinical testing. Allele origin: germline.
Comment: This sequence change creates a premature translational stop signal (p.Glu753Ilefs*12) in the AKAP9 gene. It is expected to result in an absent or disrupted protein product. However, the current clinical and genetic evidence is not sufficient to establish whether loss-of-function variants in AKAP9 cause disease. This variant is present in population databases (rs777621177, gnomAD 0.0009%). This variant has not been reported in the literature in individuals affected with AKAP9-related conditions. ClinVar contains an entry for this variant (Variation ID: 1788534). In summary, the available evidence is currently insufficient to determine the role of this variant in disease. Therefore, it has been classified as a Variant of Uncertain Significance.

Ambry Genetics
Classification: Uncertain significance for Cardiovascular phenotype. Last evaluated: 2025-04-23. Review status: criteria provided, single submitter. Criteria: Ambry Variant Classification Scheme 2023. Collection method: clinical testing. Allele origin: germline.
Comment: The c.2257_2258delGA variant, located in coding exon 8 of the AKAP9 gene, results from a deletion of two nucleotides at nucleotide positions 2257 to 2258, causing a translational frameshift with a predicted alternate stop codon (p.E753Ifs*12). This alteration is expected to result in premature protein truncation or nonsense-mediated mRNA decay. However, loss of function of AKAP9 has not been clearly established as a mechanism of disease. The evidence for this gene-disease relationship is limited; therefore, the clinical significance of this alteration is unclear.

NM_005751.5(AKAP9):c.2257_2258del (p.Glu753fs)

Gene: AKAP9 (A-kinase anchoring protein 9; plus strand). Cytogenetic location: 7q21.2.
Variant type: Deletion.
Coding change: c.2257_2258del on transcript NM_005751.5 (MANE Select); coding-DNA positions 2257 to 2258, 2 bases deleted (GA; older notation c.2257_2258delGA).
Protein change: p.Glu753fs; shifts the reading frame from glutamic acid 753.
Molecular consequence: frameshift variant.
Genome position (GRCh38, 1-based): chr7:92,002,174-92,002,175, GA deleted; deleting any 2 consecutive bases within chr7:92,002,173-92,002,175 gives the same sequence; the c. name uses the placement nearest the transcript's 3' end. VCF-style (leftmost placement, unchanged base first): chr7-92002172-CAG-C. GRCh37 (hg19) VCF-style: chr7-91631486-CAG-C.
Other names: c.2257_2258del, p.Glu753fs (NM_147185.3); short protein forms E753fs.
Identifiers: ClinVar variation 1788534 (VCV001788534.6), dbSNP rs777621177, ClinGen allele CA4336108.